The following is an entry in ClinVar:

NM_182925.5(FLT4):c.2292C>T (p.Ala764=)

Genes: FLT4 (fms related receptor tyrosine kinase 4; minus strand), LOC126807632 (CDK7 strongly-dependent group 2 enhancer GRCh37_chr5:180046831-180048030; plus strand). Cytogenetic location: 5q35.3.
Variant type: single nucleotide variant.
Coding change: c.2292C>T on transcript NM_182925.5 (MANE Select); coding-DNA position 2292, C replaced by T.
Protein change: p.Ala764=; no amino-acid change (alanine 764 retained).
Molecular consequence: synonymous variant.
Genome position (GRCh38, 1-based): chr5:180,620,883, G>A on the plus strand (C>T on the coding strand, the complement: FLT4 is on the minus strand). VCF-style: chr5-180620883-G-A. GRCh37 (hg19) VCF-style: chr5-180047883-G-A.
Other names: c.2292C>T, p.Ala764= (NM_001354989.2, NM_002020.5).
Identifiers: ClinVar variation 3026009 (VCV003026009.22), dbSNP rs553850445, ClinGen allele CA3606427.
Genomic context (GRCh38, chr5:180,620,883, plus strand): 5'-AAGCGTTAACTGGGGACGGGAAGGGAGTTGAGGGGTGCAGCCTGAGGCCAGACCTTCCAC[G>A]GCCACGCTGGCGGAGGAGTTGACGCAGCCCTTGGCGTTGCACACGCTGCACAGATAGCGT-3'
Protein context (NP_891555.2, residues 754-774): KGCVNSSASV[Ala764=]VEGSEDKGSM

ClinVar aggregate classification (germline): Likely benign (1 of 4 stars; one submission).

Allele frequency attached by ClinVar (database versions not stated): gnomAD 0.00001; ExAC 0.00002; 1000 Genomes Project 30x 0.00016; 1000 Genomes Project 0.00020.
gnomAD v4.1: 16 of 1,609,676 alleles (0.00099%); highest among the groups gnomAD compares: South Asian, 0.0055%; no homozygotes.

Submission:

CeGaT Center for Human Genetics Tuebingen
Classification: Likely benign. Last evaluated: 2024-01-01. Review status: criteria provided, single submitter. Criteria: CeGaT Center For Human Genetics Tuebingen Variant Classification Criteria Version 2. Collection method: clinical testing. Allele origin: germline. Affected: yes. Observed: 1 variant allele.
Comment: FLT4: BP4, BP7